The following is an entry in ClinVar:

ClinVar aggregate classification (germline): Likely benign. Review status: criteria provided, multiple submitters, no conflicts (2 of 4 stars). 6 submissions from 6 submitters: Likely benign (6). Last evaluated 2026-08-26.

Conditions:
Aortic aneurysm, familial thoracic 4 (AAT4). Also called: AORTIC ANEURYSM/AORTIC DISSECTION AND PATENT DUCTUS ARTERIOSUS. Identifiers: MedGen C1851504, MONDO:0007568, OMIM 132900.
Megacystis-microcolon-intestinal hypoperistalsis syndrome 2. Identifiers: MedGen C5543476, MONDO:0025708, OMIM 619351.
Visceral myopathy 2. Identifiers: MedGen C5543466, MONDO:0859157, OMIM 619350.
MYH11-related disorder. Also called: MYH11-related condition.
Familial thoracic aortic aneurysm and aortic dissection (TAAD). Also called: Thoracic aortic aneurysms and dissections. Identifiers: Orphanet 91387, MedGen C4707243, MONDO:0019625.

Allele frequency attached by ClinVar (database versions not stated): TOPMed 0.00002.
gnomAD v4.1: 13 of 1,613,180 alleles (0.00081%); highest among the groups gnomAD compares: African/African-American, 0.0067%; no homozygotes.

Submissions (6):

PreventionGenetics, part of Exact Sciences
Classification: Likely benign for MYH11-related condition. Last evaluated: 2026-08-26. Review status: criteria provided, single submitter. Criteria: ACMG Guidelines, 2015. Collection method: clinical testing. Allele origin: germline.
Comment: This variant is classified as likely benign based on ACMG/AMP sequence variant interpretation guidelines (Richards et al. 2015 PMID: 25741868, with internal and published modifications).

Ambry Genetics
Classification: Likely benign for Familial thoracic aortic aneurysm and aortic dissection. Last evaluated: 2024-08-16. Review status: criteria provided, single submitter. Criteria: Ambry Variant Classification Scheme 2023. Collection method: clinical testing. Allele origin: germline.

All of Us Research Program, National Institutes of Health
Classification: Likely benign for Familial thoracic aortic aneurysm and aortic dissection. Last evaluated: 2024-05-09. Review status: criteria provided, single submitter. Criteria: ACMG Guidelines, 2015. Collection method: clinical testing. Allele origin: germline. Inheritance: Autosomal dominant inheritance. Observed: 5 variant alleles, 5 heterozygotes.
Comment: This study involves interpretation of variants in research participants for the purpose of population health screening. Participant phenotype was not available at the time of variant classification. Additional details can be found in publication PMID: 35346344, PMCID: PMC8962531

Labcorp Genetics (formerly Invitae), Labcorp
Classification: Likely benign for Aortic aneurysm, familial thoracic 4. Last evaluated: 2022-10-13. Review status: criteria provided, single submitter. Criteria: Invitae Variant Classification Sherloc (09022015). Collection method: clinical testing. Allele origin: germline.

Fulgent Genetics
Classification: Likely benign for Aortic aneurysm, familial thoracic 4; Visceral myopathy 2; Megacystis-microcolon-intestinal hypoperistalsis syndrome 2. Last evaluated: 2021-09-06. Review status: criteria provided, single submitter. Criteria: ACMG Guidelines, 2015. Collection method: clinical testing. Allele origin: unknown.

Color Diagnostics, LLC DBA Color Health
Classification: Likely benign for Familial thoracic aortic aneurysm and aortic dissection. Last evaluated: 2019-03-22. Review status: criteria provided, single submitter. Criteria: ACMG Guidelines, 2015. Collection method: clinical testing. Allele origin: germline.

NM_002474.3(MYH11):c.1047G>A (p.Val349=)

Gene: MYH11 (myosin heavy chain 11; minus strand). Cytogenetic location: 16p13.11.
Variant type: single nucleotide variant.
Coding change: c.1047G>A on transcript NM_002474.3 (MANE Select); coding-DNA position 1047, G replaced by A.
Protein change: p.Val349=; no amino-acid change (valine 349 retained).
Molecular consequence: synonymous variant.
Genome position (GRCh38, 1-based): chr16:15,763,878, C>T on the plus strand (G>A on the coding strand, the complement: MYH11 is on the minus strand). VCF-style: chr16-15763878-C-T. GRCh37 (hg19) VCF-style: chr16-15857735-C-T.
Other names: c.1068G>A, p.Val356= (NM_001040113.2, NM_001040114.2); c.1047G>A, p.Val349= (NM_022844.3); c.1047G>A (NM_002474.2).
Identifiers: ClinVar variation 921279 (VCV000921279.16), dbSNP rs765006823, ClinGen allele CA278591889.